The following is an entry in ClinVar:

NM_016169.4(SUFU):c.325G>A (p.Gly109Arg)

Gene: SUFU (SUFU negative regulator of hedgehog signaling; plus strand). Cytogenetic location: 10q24.32.
Variant type: single nucleotide variant.
Coding change: c.325G>A on transcript NM_016169.4 (MANE Select); coding-DNA position 325, G replaced by A.
Protein change: p.Gly109Arg; replaces glycine 109 with arginine.
Molecular consequence: missense variant.
Genome position (GRCh38, 1-based): chr10:102,549,977, G>A. VCF-style: chr10-102549977-G-A. GRCh37 (hg19) VCF-style: chr10-104309734-G-A.
Other names: c.325G>A, p.Gly109Arg (NM_001178133.2); short protein forms G109R.
Identifiers: ClinVar variation 638517 (VCV000638517.6), dbSNP rs192025919, ClinGen allele CA5667659.
Genomic context (GRCh38, chr10:102,549,977, plus strand): 5'-GTGTTTTTCCTAAGGTAATTGAGCTTAAAACACTTGCTTTTTATGTCTTTCAGGTTTACA[G>A]GAACAGATGGACCTAGTGGTTTTGGCTTTGAGTTGACCTTTCGTCTGAAGAGAGAAACTG-3'
Protein context (NP_057253.2, residues 99-119): YGDNRVHEFT[Gly109Arg]TDGPSGFGFE

ClinVar aggregate classification (germline): Uncertain significance. Review status: criteria provided, multiple submitters, no conflicts (2 of 4 stars). 3 submissions from 3 submitters: Uncertain significance (3). Last evaluated 2025-11-04.

Conditions:
Joubert syndrome 32 (JBTS32). Identifiers: MedGen C4540342, MONDO:0033309, OMIM 617757.
Gorlin syndrome. Also called: Nevoid Basal Cell Carcinoma Syndrome; Basal cell nevus syndrome. Identifiers: Orphanet 377, MedGen C0004779, MONDO:0007187.
Medulloblastoma (MDB). Also called: Medulloblastoma, somatic; MEDULLOBLASTOMA PREDISPOSITION SYNDROME. Identifiers: Orphanet 616, MedGen C0025149, MeSH D008527, MONDO:0007959, OMIM 155255, HP:0002885.
Hereditary cancer-predisposing syndrome. Also called: Hereditary Cancer Syndrome; Neoplastic Syndromes, Hereditary; Tumor predisposition; Hereditary neoplastic syndrome. Identifiers: Orphanet 140162, MedGen C0027672, MeSH D009386, MONDO:0015356.

Allele frequency attached by ClinVar (database versions not stated): ExAC 0.00001; gnomAD 0.00001; gnomAD exomes 0.00001; 1000 Genomes Project 0.00020; 1000 Genomes Project 30x 0.00031.
gnomAD v4.1: 4 of 1,614,214 alleles (0.00025%); highest among the groups gnomAD compares: East Asian, 0.0089%; no homozygotes.

Submissions (3):

Labcorp Genetics (formerly Invitae), Labcorp
Classification: Uncertain significance for Gorlin syndrome; Medulloblastoma. Last evaluated: 2025-11-04. Review status: criteria provided, single submitter. Criteria: Invitae Variant Classification Sherloc (09022015). Collection method: clinical testing. Allele origin: germline.
Comment: This sequence change replaces glycine, which is neutral and non-polar, with arginine, which is basic and polar, at codon 109 of the SUFU protein (p.Gly109Arg). This variant is present in population databases (rs192025919, gnomAD 0.02%). This variant has not been reported in the literature in individuals affected with SUFU-related conditions. ClinVar contains an entry for this variant (Variation ID: 638517). Invitae Evidence Modeling of protein sequence and biophysical properties (such as structural, functional, and spatial information, amino acid conservation, physicochemical variation, residue mobility, and thermodynamic stability) indicates that this missense variant is not expected to disrupt SUFU protein function with a negative predictive value of 80%. In summary, the available evidence is currently insufficient to determine the role of this variant in disease. Therefore, it has been classified as a Variant of Uncertain Significance.

Ambry Genetics
Classification: Uncertain significance for Hereditary cancer-predisposing syndrome. Last evaluated: 2021-11-24. Review status: criteria provided, single submitter. Criteria: Ambry Variant Classification Scheme 2023. Collection method: clinical testing. Allele origin: germline.
Comment: The p.G109R variant (also known as c.325G>A), located in coding exon 3 of the SUFU gene, results from a G to A substitution at nucleotide position 325. The glycine at codon 109 is replaced by arginine, an amino acid with dissimilar properties. This amino acid position is highly conserved in available vertebrate species. In addition, this alteration is predicted to be deleterious by in silico analysis. Since supporting evidence is limited at this time, the clinical significance of this alteration remains unclear.

Genomic Research Center, Shahid Beheshti University of Medical Sciences
Classification: Uncertain significance for JOUBERT SYNDROME 32. Last evaluated: 2019-04-27. Review status: criteria provided, single submitter. Criteria: ACMG Guidelines, 2015. Collection method: clinical testing. Allele origin: unknown. Affected: yes.